The following is an entry in ClinVar:

NM_004655.4(AXIN2):c.210T>G (p.Ser70=)

Gene: AXIN2 (axin 2; minus strand). Cytogenetic location: 17q24.1.
Variant type: single nucleotide variant.
Coding change: c.210T>G on transcript NM_004655.4 (MANE Select); coding-DNA position 210, T replaced by G.
Protein change: p.Ser70=; no amino-acid change (serine 70 retained).
Molecular consequence: synonymous variant.
Genome position (GRCh38, 1-based): chr17:65,558,411, A>C on the plus strand (T>G on the coding strand, the complement: AXIN2 is on the minus strand). VCF-style: chr17-65558411-A-C. GRCh37 (hg19) VCF-style: chr17-63554529-A-C.
Other names: c.210T>G, p.Ser70= (NM_001363813.1).
Identifiers: ClinVar variation 3224390 (VCV003224390.2), dbSNP rs2144589693, ClinGen allele CA501691462.
Genomic context (GRCh38, chr17:65,558,411, plus strand): 5'-GTCTTGATCGCCCAATAAGGAGTGTAAGGACTTGGTCCACCGGGTCAGAGGGGAATCCGG[A>C]GATGCCCGCCCCTCCGGCTCCCCCAACCCATCTTCGTTCCGCCTGGTGTTGGAAGAGACA-3'
Protein context (NP_004646.3, residues 60-80): DGLGEPEGRA[Ser70=]PDSPLTRWTK

ClinVar aggregate classification (germline): Benign/Likely benign. Review status: criteria provided, multiple submitters, no conflicts (2 of 4 stars). 2 submissions from 2 submitters: Benign (1); Likely benign (1). Last evaluated 2024-06-25.

Conditions:
Hereditary cancer-predisposing syndrome. Also called: Tumor predisposition; Hereditary neoplastic syndrome; Hereditary Cancer Syndrome; Neoplastic Syndromes, Hereditary. Identifiers: Orphanet 140162, MedGen C0027672, MeSH D009386, MONDO:0015356.
Oligodontia-cancer predisposition syndrome. Also called: TOOTH AGENESIS-COLORECTAL CANCER SYNDROME. Identifiers: Orphanet 300576, MedGen C1837750, MONDO:0012075, OMIM 608615. Disease mechanism: loss of function.

Allele frequency attached by ClinVar (database versions not stated): gnomAD exomes below 0.00001.
gnomAD v4.1: 2 of 1,603,122 alleles (0.00012%); highest among the groups gnomAD compares: Non-Finnish European, 0.00017%; no homozygotes.

Submissions (2):

Myriad Genetics, Inc.
Classification: Benign for Oligodontia-cancer predisposition syndrome. Last evaluated: 2024-06-25. Review status: criteria provided, single submitter. Criteria: Myriad Autosomal Dominant, Autosomal Recessive and X-Linked Classification Criteria (2023). Collection method: clinical testing. Allele origin: unknown.
Comment: This variant is considered benign. This variant is a silent/synonymous amino acid change and it is not expected to impact splicing.

Ambry Genetics
Classification: Likely benign for Hereditary cancer-predisposing syndrome. Last evaluated: 2023-10-12. Review status: criteria provided, single submitter. Criteria: Ambry Variant Classification Scheme 2023. Collection method: clinical testing. Allele origin: germline.